The following is an entry in ClinVar:

NM_020442.6(VARS2):c.2412C>T (p.Leu804=)

Gene: VARS2 (valyl-tRNA synthetase 2, mitochondrial; plus strand). Cytogenetic location: 6p21.33.
Variant type: single nucleotide variant.
Coding change: c.2412C>T on transcript NM_020442.6 (MANE Select); coding-DNA position 2412, C replaced by T.
Protein change: p.Leu804=; no amino-acid change (leucine 804 retained).
Molecular consequence: synonymous variant.
Genome position (GRCh38, 1-based): chr6:30,923,451, C>T. VCF-style: chr6-30923451-C-T. GRCh37 (hg19) VCF-style: chr6-30891228-C-T.
Other names: p.Leu834=; c.1992C>T, p.Leu664= (NM_001167733.3); c.2502C>T, p.Leu834= (NM_001167734.2).
Identifiers: ClinVar variation 380177 (VCV000380177.11), dbSNP rs17189635, ClinGen allele CA3706261.

ClinVar aggregate classification (germline): Benign. Review status: criteria provided, multiple submitters, no conflicts (2 of 4 stars). 3 submissions from 3 submitters: Benign (3). Last evaluated 2026-01-27.

Allele frequency attached by ClinVar (database versions not stated): gnomAD exomes 0.01137; ExAC 0.01214; 1000 Genomes Project 0.01757; 1000 Genomes Project 30x 0.01921; gnomAD 0.02202 and 0.02324; TOPMed 0.02415; ESP Exome Variant Server 0.02655.
gnomAD v4.1: 21,534 of 1,612,218 alleles (1.3%); highest among the groups gnomAD compares: African/African-American, 4.7%; 233 homozygotes.

Submissions (3):

Labcorp Genetics (formerly Invitae), Labcorp
Classification: Benign. Last evaluated: 2026-01-27. Review status: criteria provided, single submitter. Criteria: Invitae Variant Classification Sherloc (09022015). Collection method: clinical testing. Allele origin: germline.

Mayo Clinic Laboratories, Mayo Clinic
Classification: Benign. Last evaluated: 2023-11-13. Review status: criteria provided, single submitter. Criteria: ACMG Guidelines, 2015. Collection method: clinical testing. Allele origin: germline. Observed: 51 variant alleles.
Comment: BA1, BS2, BP4, BP7

GeneDx
Classification: Benign. Last evaluated: 2016-02-11. Review status: criteria provided, single submitter. Criteria: GeneDx Variant Classification (06012015). Collection method: clinical testing. Allele origin: germline. Affected: yes.
Comment: This variant is considered likely benign or benign based on one or more of the following criteria: it is a conservative change, it occurs at a poorly conserved position in the protein, it is predicted to be benign by multiple in silico algorithms, and/or has population frequency not consistent with disease.